The following is an entry in ClinVar:

ClinVar aggregate classification (germline): Pathogenic. Review status: criteria provided, single submitter (1 of 4 stars). 2 submissions from 2 submitters: Pathogenic (1). 1 of the submissions does not count toward it. Last evaluated 2025-08-21.

Conditions:
Ehlers-Danlos syndrome, type 4 (EDSVASC). Also called: Ehlers-Danlos syndrome vascular type; Ehlers Danlos syndrome, ecchymotic type; Ehlers Danlos syndrome, arterial type; Ehlers Danlos syndrome, Sack-Barabas type; Ehlers-Danlos Syndrome Type IV. Identifiers: Orphanet 286, MedGen C0268338, MONDO:0017314, OMIM 130050.

Submissions (2):

Labcorp Genetics (formerly Invitae), Labcorp
Classification: Pathogenic for Ehlers-Danlos syndrome, type 4. Last evaluated: 2025-08-21. Review status: criteria provided, single submitter. Criteria: Invitae Variant Classification Sherloc (09022015). Collection method: clinical testing. Allele origin: germline.
Comment: This sequence change affects an acceptor splice site in intron 36 of the COL3A1 gene. It is expected to disrupt RNA splicing. Variants that disrupt the donor or acceptor splice site typically lead to a loss of protein function (PMID: 16199547), and loss-of-function variants in COL3A1 are known to be pathogenic (PMID: 24922459). This variant is not present in population databases (gnomAD no frequency). Disruption of this splice site has been observed in individuals with clinical features of Ehlers-Danlos syndrome (PMID: 21637106; internal data). ClinVar contains an entry for this variant (Variation ID: 101219). Algorithms developed to predict the effect of sequence changes on RNA splicing suggest that this variant may disrupt the consensus splice site. For these reasons, this variant has been classified as Pathogenic.

Collagen Diagnostic Laboratory, University of Washington
Classification: Pathogenic for Ehlers-Danlos syndrome, type 4. Review status: no assertion criteria provided. Collection method: clinical testing. Allele origin: germline. Affected: yes. Not counted in ClinVar's aggregate classification.

Literature cited by the submitters: PubMed 16199547 (cited by Labcorp Genetics (formerly Invitae), Labcorp); PubMed 24922459 (cited by Labcorp Genetics (formerly Invitae), Labcorp); PubMed 21637106 (cited by Labcorp Genetics (formerly Invitae), Labcorp and Collagen Diagnostic Laboratory, University of Washington).

NM_000090.4(COL3A1):c.2554-1G>A

Gene: COL3A1 (collagen type III alpha 1 chain; plus strand). Cytogenetic location: 2q32.2.
Variant type: single nucleotide variant.
Coding change: c.2554-1G>A on transcript NM_000090.4 (MANE Select); the canonical splice acceptor site of the intron before coding-DNA position 2554, G replaced by A.
Molecular consequence: splice acceptor variant.
Genome position (GRCh38, 1-based): chr2:189,003,410, G>A. VCF-style: chr2-189003410-G-A. GRCh37 (hg19) VCF-style: chr2-189868136-G-A.
Identifiers: ClinVar variation 101219 (VCV000101219.4), dbSNP rs587779519, ClinGen allele CA005494.